The following is an entry in ClinVar:

ClinVar aggregate classification (germline): Uncertain significance (1 of 4 stars; one submission).

Conditions:
Parietal foramina 1 (PFM1). Also called: FORAMINA PARIETALIA PERMAGNA; PARIETAL FORAMINA, SYMMETRIC. Identifiers: Orphanet 60015, MedGen C1868599, MONDO:0008197, OMIM 168500.

Submission:

MVZ Medizinische Genetik Mainz
Classification: Uncertain significance for Parietal foramina 1. Last evaluated: 2026-07-24. Review status: criteria provided, single submitter. Criteria: UK Practice Guidelines For Variant Classification V4 01 2020. Collection method: clinical testing. Allele origin: germline. Inheritance: Autosomal dominant inheritance. Affected: yes. Observed: 1 variant allele.
Comment: ACMG Criteria: PP3_MOD,PM1_SUP,PM2_SUP

NM_002449.5(MSX2):c.447T>G (p.Phe149Leu)

Gene: MSX2 (msh homeobox 2; plus strand). Cytogenetic location: 5q35.2.
Variant type: single nucleotide variant.
Coding change: c.447T>G on transcript NM_002449.5 (MANE Select); coding-DNA position 447, T replaced by G.
Protein change: p.Phe149Leu; replaces phenylalanine 149 with leucine.
Molecular consequence: missense variant. On other transcripts: 3 prime UTR variant (1).
Genome position (GRCh38, 1-based): chr5:174,729,226, T>G. VCF-style: chr5-174729226-T-G. GRCh37 (hg19) VCF-style: chr5-174156229-T-G.
Other names: c.*71T>G (NM_001363626.2); short protein forms F149L.
Identifiers: ClinVar variation 4887042 (VCV004887042.1).
Genomic context (GRCh38, chr5:174,729,226, plus strand): 5'-GAGCCCTACCACCTGCACCCTGAGGAAACACAAGACCAATCGGAAGCCGCGCACGCCCTT[T>G]ACCACATCCCAGCTCCTCGCCCTGGAGCGCAAGTTCCGTCAGAAACAGTACCTCTCCATT-3'
Protein context (NP_002440.2, residues 139-159): HKTNRKPRTP[Phe149Leu]TTSQLLALER